The following is an entry in ClinVar:

ClinVar aggregate classification (germline): Likely benign. Review status: criteria provided, single submitter (1 of 4 stars). 2 submissions from 2 submitters: Likely benign (1). 1 of the submissions does not count toward it. Last evaluated 2024-01-31.

Conditions:
PCNT-related disorder. Also called: PCNT-related condition.

Allele frequency attached by ClinVar (database versions not stated): gnomAD exomes below 0.00001; TOPMed below 0.00001; ExAC 0.00001.
gnomAD v4.1: 1 of 1,609,582 alleles (0.000062%); highest among the groups gnomAD compares: East Asian, 0.0022%; no homozygotes.

Submissions (2):

Labcorp Genetics (formerly Invitae), Labcorp
Classification: Likely benign. Last evaluated: 2024-01-31. Review status: criteria provided, single submitter. Criteria: Invitae Variant Classification Sherloc (09022015). Collection method: clinical testing. Allele origin: germline.

PreventionGenetics, part of Exact Sciences
Classification: Likely benign for PCNT-related condition. Last evaluated: 2021-10-12. Review status: no assertion criteria provided. Collection method: clinical testing. Allele origin: germline. Not counted in ClinVar's aggregate classification.
Comment: This variant is classified as likely benign based on ACMG/AMP sequence variant interpretation guidelines (Richards et al. 2015 PMID: 25741868, with internal and published modifications).

NM_006031.6(PCNT):c.1457-10T>C

Gene: PCNT (pericentrin; plus strand). Cytogenetic location: 21q22.3.
Variant type: single nucleotide variant.
Coding change: c.1457-10T>C on transcript NM_006031.6 (MANE Select); 10 bases into the intron before coding-DNA position 1457, T replaced by C.
Molecular consequence: intron variant.
Genome position (GRCh38, 1-based): chr21:46,353,094, T>C. VCF-style: chr21-46353094-T-C. GRCh37 (hg19) VCF-style: chr21-47773008-T-C.
Other names: c.1103-10T>C (NM_001315529.2); c.1457-10T>C (NM_006031.5).
Identifiers: ClinVar variation 2094928 (VCV002094928.6), dbSNP rs781522568, ClinGen allele CA10078638.
Genomic context (GRCh38, chr21:46,353,094, plus strand): 5'-TCTTGCCTCTCGCCTGGCTTGTTGTGGGTGTCCCATTTTAAGACGATTGCCTGACTCCGT[T>C]ATGTTGCAGAGCTACATGAGCAACTCCTGGCGCGCACCTCTCGTGTGGAAGATTTAGAAC-3'